The following is an entry in ClinVar:

NM_017617.5(NOTCH1):c.6881T>C (p.Leu2294Pro)

Gene: NOTCH1 (notch receptor 1; minus strand). Cytogenetic location: 9q34.3.
Variant type: single nucleotide variant.
Coding change: c.6881T>C on transcript NM_017617.5 (MANE Select); coding-DNA position 6881, T replaced by C.
Protein change: p.Leu2294Pro; replaces leucine 2294 with proline.
Molecular consequence: missense variant.
Genome position (GRCh38, 1-based): chr9:136,496,858, A>G on the plus strand (T>C on the coding strand, the complement: NOTCH1 is on the minus strand). VCF-style: chr9-136496858-A-G. GRCh37 (hg19) VCF-style: chr9-139391310-A-G.
Other names: short protein forms L2294P.
Identifiers: ClinVar variation 2452181 (VCV002452181.2), dbSNP rs1175514266, ClinGen allele CA375629979.

ClinVar aggregate classification (germline): Uncertain significance (1 of 4 stars; one submission).

Conditions:
Familial thoracic aortic aneurysm and aortic dissection (TAAD). Also called: Thoracic aortic aneurysms and dissections. Identifiers: Orphanet 91387, MedGen C4707243, MONDO:0019625.

Allele frequency attached by ClinVar (database versions not stated): gnomAD 0.00001; gnomAD exomes 0.00001.
gnomAD v4.1: 8 of 1,612,762 alleles (0.0005%); highest among the groups gnomAD compares: South Asian, 0.0088%; no homozygotes.

Submission:

Ambry Genetics
Classification: Uncertain significance for Familial thoracic aortic aneurysm and aortic dissection. Last evaluated: 2022-12-14. Review status: criteria provided, single submitter. Criteria: Ambry Variant Classification Scheme 2023. Collection method: clinical testing. Allele origin: germline.
Comment: The p.L2294P variant (also known as c.6881T>C), located in coding exon 34 of the NOTCH1 gene, results from a T to C substitution at nucleotide position 6881. The leucine at codon 2294 is replaced by proline, an amino acid with similar properties. This amino acid position is conserved. In addition, this alteration is predicted to be tolerated by in silico analysis. Since supporting evidence is limited at this time, the clinical significance of this alteration remains unclear.